The following is an entry in ClinVar:

ClinVar aggregate classification (germline): Uncertain significance. Review status: criteria provided, multiple submitters, no conflicts (2 of 4 stars). 2 submissions from 2 submitters: Uncertain significance (2). Last evaluated 2024-03-21.

Allele frequency attached by ClinVar (database versions not stated): gnomAD 0.00001; TOPMed 0.00001.
gnomAD v4.1: 1 of 1,614,040 alleles (0.000062%); highest among the groups gnomAD compares: Non-Finnish European, 0.000085%; no homozygotes.

Submissions (2):

GeneDx
Classification: Uncertain significance. Last evaluated: 2024-03-21. Review status: criteria provided, single submitter. Criteria: GeneDx Variant Classification Process June 2021. Collection method: clinical testing. Allele origin: germline. Affected: yes.
Comment: Not observed at significant frequency in large population cohorts (gnomAD); In silico analysis supports that this missense variant has a deleterious effect on protein structure/function; Has not been previously published as pathogenic or benign to our knowledge

Mendelics
Classification: Uncertain significance. Last evaluated: 2022-05-04. Review status: criteria provided, single submitter. Criteria: Mendelics Assertion Criteria 2019. Collection method: clinical testing. Allele origin: germline.

NM_001130438.3(SPTAN1):c.1502G>A (p.Ser501Asn)

Gene: SPTAN1 (spectrin alpha, non-erythrocytic 1; plus strand). Cytogenetic location: 9q34.11.
Variant type: single nucleotide variant.
Coding change: c.1502G>A on transcript NM_001130438.3 (MANE Select); coding-DNA position 1502, G replaced by A.
Protein change: p.Ser501Asn; replaces serine 501 with asparagine.
Molecular consequence: missense variant.
Genome position (GRCh38, 1-based): chr9:128,581,822, G>A. VCF-style: chr9-128581822-G-A. GRCh37 (hg19) VCF-style: chr9-131344101-G-A.
Other names: c.1502G>A, p.Ser501Asn (NM_001195532.2, NM_001363759.2, NM_001363765.2 and 5 more transcripts); c.1538G>A, p.Ser513Asn (NM_001375312.2, NM_001375318.1); c.1502G>A (NM_001130438.2); short protein forms S501N, S513N.
Identifiers: ClinVar variation 1685143 (VCV001685143.2), dbSNP rs1347944186, ClinGen allele CA375054163.